The following is an entry in ClinVar:

ClinVar aggregate classification (germline): Pathogenic (1 of 4 stars; one submission).

Submission:

GeneDx
Classification: Pathogenic. Last evaluated: 2020-01-27. Review status: criteria provided, single submitter. Criteria: GeneDx Variant Classification Process June 2021. Collection method: clinical testing. Allele origin: germline. Affected: yes.
Comment: Frameshift variant predicted to result in protein truncation or nonsense mediated decay in a gene for which loss-of-function is a known mechanism of disease; Not observed in large population cohorts (Lek et al., 2016); Has not been previously published as pathogenic or benign to our knowledge

NM_004187.5(KDM5C):c.1013dup (p.Leu339fs)

Gene: KDM5C (lysine demethylase 5C; minus strand). Cytogenetic location: Xp11.22.
Variant type: Duplication.
Coding change: c.1013dup on transcript NM_004187.5 (MANE Select); coding-DNA position 1013, one base duplicated (A; older notation c.1013dupA).
Protein change: p.Leu339fs; shifts the reading frame from leucine 339.
Molecular consequence: frameshift variant. On other transcripts: non-coding transcript variant (3).
Genome position (GRCh38, 1-based): chrX:53,214,798, T duplicated on the plus strand (A on the coding strand, the reverse complement: KDM5C is on the minus strand); the first of 2 consecutive T bases (chrX:53,214,798-53,214,799); duplicating either gives the same sequence. VCF-style (leftmost placement, unchanged base first): chrX-53214797-C-CT. GRCh37 (hg19) VCF-style: chrX-53243979-C-CT.
Other names: c.812dup, p.Leu272fs (NM_001146702.2); c.1010dup, p.Leu338fs (NM_001282622.3, NM_001353979.2, NM_001353982.2); c.1013dup, p.Leu339fs (NM_001353978.3, NM_001353981.2, NM_001353984.2); short protein forms L272fs, L338fs, L339fs.
Identifiers: ClinVar variation 1185761 (VCV001185761.2), dbSNP rs2146934768, ClinGen allele CA2499226776.